The following is an entry in ClinVar:

NM_015662.3(IFT172):c.3153C>G (p.His1051Gln)

Gene: IFT172 (intraflagellar transport 172; minus strand). Cytogenetic location: 2p23.3.
Variant type: single nucleotide variant.
Coding change: c.3153C>G on transcript NM_015662.3 (MANE Select); coding-DNA position 3153, C replaced by G.
Protein change: p.His1051Gln; replaces histidine 1051 with glutamine.
Molecular consequence: missense variant.
Genome position (GRCh38, 1-based): chr2:27,457,714, G>C on the plus strand (C>G on the coding strand, the complement: IFT172 is on the minus strand). VCF-style: chr2-27457714-G-C. GRCh37 (hg19) VCF-style: chr2-27680581-G-C.
Other names: short protein forms H1051Q.
Identifiers: ClinVar variation 836187 (VCV000836187.9), dbSNP rs1666273532, ClinGen allele CA346380192.

ClinVar aggregate classification (germline): Uncertain significance (1 of 4 stars; one submission).

Conditions:
Short-rib thoracic dysplasia 10 with or without polydactyly (SRTD10). Identifiers: Orphanet 474, MedGen C3810175, MONDO:0014284, OMIM 615630.
Retinitis pigmentosa 71 (RP71). Identifiers: Orphanet 791, MedGen C4225342, MONDO:0014618, OMIM 616394.

Submission:

Labcorp Genetics (formerly Invitae), Labcorp
Classification: Uncertain significance for Retinitis pigmentosa 71; Short-rib thoracic dysplasia 10 with or without polydactyly. Last evaluated: 2019-12-24. Review status: criteria provided, single submitter. Criteria: Invitae Variant Classification Sherloc (09022015). Collection method: clinical testing. Allele origin: germline.
Comment: This sequence change replaces histidine with glutamine at codon 1051 of the IFT172 protein (p.His1051Gln). The histidine residue is highly conserved and there is a small physicochemical difference between histidine and glutamine. In summary, the available evidence is currently insufficient to determine the role of this variant in disease. Therefore, it has been classified as a Variant of Uncertain Significance. This variant is not present in population databases (ExAC no frequency). This variant has not been reported in the literature in individuals with IFT172-related conditions. Algorithms developed to predict the effect of missense changes on protein structure and function are either unavailable or do not agree on the potential impact of this missense change (SIFT: "Tolerated"; PolyPhen-2: "Possibly Damaging"; Align-GVGD: "Class C0").